The following is an entry in ClinVar:

ClinVar aggregate classification (germline): Uncertain significance (1 of 4 stars; one submission).

Allele frequency attached by ClinVar (database versions not stated): TOPMed below 0.00001; ExAC 0.00001; gnomAD 0.00001; gnomAD exomes 0.00004.
gnomAD v4.1: 23 of 1,614,092 alleles (0.0014%); highest among the groups gnomAD compares: Non-Finnish European, 0.0019%; no homozygotes.

Submission:

Ambry Genetics
Classification: Uncertain significance. Last evaluated: 2025-01-19. Review status: criteria provided, single submitter. Criteria: Ambry Variant Classification Scheme 2023. Collection method: clinical testing. Allele origin: germline.
Comment: The p.P1203S variant (also known as c.3607C>T), located in coding exon 13 of the CDK12 gene, results from a C to T substitution at nucleotide position 3607. The proline at codon 1203 is replaced by serine, an amino acid with similar properties. This amino acid position is conserved. In addition, this alteration is predicted to be tolerated by in silico analysis. Based on the available evidence, the clinical significance of this variant remains unclear.

NM_016507.4(CDK12):c.3607C>T (p.Pro1203Ser)

Gene: CDK12 (cyclin dependent kinase 12; plus strand). Cytogenetic location: 17q12.
Variant type: single nucleotide variant.
Coding change: c.3607C>T on transcript NM_016507.4 (MANE Select); coding-DNA position 3607, C replaced by T.
Protein change: p.Pro1203Ser; replaces proline 1203 with serine.
Molecular consequence: missense variant.
Genome position (GRCh38, 1-based): chr17:39,526,163, C>T. VCF-style: chr17-39526163-C-T. GRCh37 (hg19) VCF-style: chr17-37682416-C-T.
Other names: c.3607C>T, p.Pro1203Ser (NM_015083.4); short protein forms P1203S.
Identifiers: ClinVar variation 2321519 (VCV002321519.3), dbSNP rs777844841, ClinGen allele CA8531557.